The following is an entry in ClinVar:

NM_002872.5(RAC2):c.574C>T (p.Leu192Phe)

Gene: RAC2 (Rac family small GTPase 2; minus strand). Cytogenetic location: 22q13.1.
Variant type: single nucleotide variant.
Coding change: c.574C>T on transcript NM_002872.5 (MANE Select); coding-DNA position 574, C replaced by T.
Protein change: p.Leu192Phe; replaces leucine 192 with phenylalanine.
Molecular consequence: missense variant.
Genome position (GRCh38, 1-based): chr22:37,226,678, G>A on the plus strand (C>T on the coding strand, the complement: RAC2 is on the minus strand). VCF-style: chr22-37226678-G-A. GRCh37 (hg19) VCF-style: chr22-37622718-G-A.
Other names: short protein forms L192F.
Identifiers: ClinVar variation 1349653 (VCV001349653.6), dbSNP rs754120892, ClinGen allele CA10217449.

ClinVar aggregate classification (germline): Uncertain significance (1 of 4 stars; one submission).

Conditions:
Neutrophil immunodeficiency syndrome. Also called: Immunodeficiency 73A with defective neutrophil chemotaxis and leukocytosis. Identifiers: Orphanet 183707, MedGen C1842398, MONDO:0011988, OMIM 608203.

Allele frequency attached by ClinVar (database versions not stated): ExAC 0.00001; gnomAD exomes 0.00001; TOPMed 0.00002.
gnomAD v4.1: 6 of 1,612,828 alleles (0.00037%); highest among the groups gnomAD compares: Non-Finnish European, 0.00051%; no homozygotes.

Submission:

Labcorp Genetics (formerly Invitae), Labcorp
Classification: Uncertain significance for Neutrophil immunodeficiency syndrome. Last evaluated: 2022-10-24. Review status: criteria provided, single submitter. Criteria: Invitae Variant Classification Sherloc (09022015). Collection method: clinical testing. Allele origin: germline.
Comment: This sequence change replaces leucine, which is neutral and non-polar, with phenylalanine, which is neutral and non-polar, at codon 192 of the RAC2 protein (p.Leu192Phe). This variant is present in population databases (rs754120892, gnomAD 0.002%). This variant has not been reported in the literature in individuals affected with RAC2-related conditions. ClinVar contains an entry for this variant (Variation ID: 1349653). Advanced modeling of protein sequence and biophysical properties (such as structural, functional, and spatial information, amino acid conservation, physicochemical variation, residue mobility, and thermodynamic stability) performed at Invitae indicates that this missense variant is not expected to disrupt RAC2 protein function. In summary, the available evidence is currently insufficient to determine the role of this variant in disease. Therefore, it has been classified as a Variant of Uncertain Significance.